The following is an entry in ClinVar:

NM_006922.4(SCN3A):c.5512G>C (p.Asp1838His)

Gene: SCN3A (sodium voltage-gated channel alpha subunit 3; minus strand). Cytogenetic location: 2q24.3.
Variant type: single nucleotide variant.
Coding change: c.5512G>C on transcript NM_006922.4 (MANE Select); coding-DNA position 5512, G replaced by C.
Protein change: p.Asp1838His; replaces aspartic acid 1838 with histidine.
Molecular consequence: missense variant.
Genome position (GRCh38, 1-based): chr2:165,090,641, C>G on the plus strand (G>C on the coding strand, the complement: SCN3A is on the minus strand). VCF-style: chr2-165090641-C-G. GRCh37 (hg19) VCF-style: chr2-165947151-C-G.
Other names: c.5365G>C, p.Asp1789His (NM_001081676.2, NM_001081677.2); short protein forms D1789H, D1838H.
Identifiers: ClinVar variation 4076694 (VCV004076694.1).

ClinVar aggregate classification (germline): Uncertain significance (1 of 4 stars; one submission).

Submission:

GeneDx
Classification: Uncertain significance. Last evaluated: 2025-02-19. Review status: criteria provided, single submitter. Criteria: GeneDx Variant Classification Process June 2021. Collection method: clinical testing. Allele origin: germline. Affected: yes.
Comment: Not observed at significant frequency in large population cohorts (gnomAD); In silico analysis supports that this missense variant has a deleterious effect on protein structure/function; Has not been previously published as pathogenic or benign to our knowledge